The following is an entry in ClinVar:

ClinVar aggregate classification (germline): Uncertain significance. Review status: criteria provided, multiple submitters, no conflicts (2 of 4 stars). 2 submissions from 2 submitters: Uncertain significance (2). Last evaluated 2019-11-22.

Conditions:
Muscular dystrophy-dystroglycanopathy (congenital with brain and eye anomalies), type A5. Also called: WALKER-WARBURG SYNDROME OR MUSCLE-EYE-BRAIN DISEASE, FKRP-RELATED; MUSCULAR DYSTROPHY-DYSTROGLYCANOPATHY (CONGENITAL WITH BRAIN AND EYE ANOMALIES), TYPE A, 5. Identifiers: Orphanet 588, Orphanet 899, MedGen C3150413, MONDO:0013157, OMIM 613153.

Allele frequency attached by ClinVar (database versions not stated): gnomAD 0.00001.
gnomAD v4.1: 7 of 1,244,332 alleles (0.00056%); highest among the groups gnomAD compares: Non-Finnish European, 0.00051%; no homozygotes.

Submissions (2):

Baylor Genetics
Classification: Uncertain significance for Muscular dystrophy-dystroglycanopathy (congenital with brain and eye anomalies), type A5. Last evaluated: 2019-11-22. Review status: criteria provided, single submitter. Criteria: ACMG Guidelines, 2015. Collection method: clinical testing. Allele origin: unknown. Affected: yes.
Comment: This variant was determined to be of uncertain significance according to ACMG Guidelines, 2015 [PMID:25741868].

Breakthrough Genomics
Classification: Uncertain significance. Review status: criteria provided, single submitter. Criteria: ACMG Guidelines, 2015. Collection method: not provided. Allele origin: germline. Inheritance: Autosomal dominant inheritance. Affected: yes.

NM_024301.5(FKRP):c.-253+4A>G

Genes: STRN4 (striatin 4; minus strand), FKRP (fukutin related protein; plus strand), LOC130064775 (ATAC-STARR-seq lymphoblastoid silent region 10825; plus strand). Cytogenetic location: 19q13.32.
Variant type: single nucleotide variant.
Coding change: c.-253+4A>G on transcript NM_024301.5 (MANE Select); 4 bases into the intron after 253 bases upstream of the start codon, A replaced by G.
Molecular consequence: intron variant.
Genome position (GRCh38, 1-based): chr19:46,746,094, A>G. VCF-style: chr19-46746094-A-G. GRCh37 (hg19) VCF-style: chr19-47249351-A-G.
Other names: c.282+55T>C (NM_013403.3, NM_001039877.2); c.-305+4A>G (NM_001039885.3).
Identifiers: ClinVar variation 1028981 (VCV001028981.3), dbSNP rs2054592600, ClinGen allele CA996414534.